The following is an entry in ClinVar:

ClinVar aggregate classification (germline): Conflicting classifications of pathogenicity. Review status: criteria provided, conflicting classifications (1 of 4 stars). 3 submissions from 3 submitters: Likely pathogenic (1); Uncertain significance (2). Last evaluated 2026-01-13.

Conditions:
COQ2-related disorder. Also called: COQ2-related condition.

Allele frequency attached by ClinVar (database versions not stated): gnomAD 0.00017; TOPMed 0.00013.

Submissions (3):

PreventionGenetics, part of Exact Sciences
Classification: Likely pathogenic for COQ2-related condition. Last evaluated: 2026-01-13. Review status: criteria provided, single submitter. Criteria: ACMG Guidelines, 2015. Collection method: clinical testing. Allele origin: germline.
Comment: The COQ2 c.1169G>C variant is predicted to result in the amino acid substitution p.Gly390Ala. This variant was reported in the homozygous state in individuals with steroid resistant nephrotic syndrome (SRNS) (Gigante et al. 2017. PubMed ID: 28044327; Supplementary Table S1, Drovandi et al. 2022. PubMed ID: 35483523). This variant was shown to be likely associated with a relatively mild effect by yeast studies (Gigante et al. 2017. PubMed ID: 28044327). Of note, this variant was found with a causative truncating variant c.500_504del (p.Thr167Serfs*12) in patients with SRNS at PreventionGenetics (internal data). This variant is reported in 0.015% of alleles in individuals of Latino descent in gnomAD. This variant is interpreted as likely pathogenic.

Labcorp Genetics (formerly Invitae), Labcorp
Classification: Uncertain significance. Last evaluated: 2024-07-27. Review status: criteria provided, single submitter. Criteria: Invitae Variant Classification Sherloc (09022015). Collection method: clinical testing. Allele origin: germline.
Comment: This sequence change replaces glycine, which is neutral and non-polar, with alanine, which is neutral and non-polar, at codon 390 of the COQ2 protein (p.Gly390Ala). This variant is present in population databases (no rsID available, gnomAD 0.02%). This missense change has been observed in individual(s) with coenzyme Q10 deficiency (PMID: 28044327, 35483523). It has also been observed to segregate with disease in related individuals. ClinVar contains an entry for this variant (Variation ID: 2203549). Advanced modeling of protein sequence and biophysical properties (such as structural, functional, and spatial information, amino acid conservation, physicochemical variation, residue mobility, and thermodynamic stability) performed at Invitae indicates that this missense variant is not expected to disrupt COQ2 protein function with a negative predictive value of 80%. Experimental studies have shown that this missense change affects COQ2 function (PMID: 28044327). In summary, the available evidence is currently insufficient to determine the role of this variant in disease. Therefore, it has been classified as a Variant of Uncertain Significance.

Blueprint Genetics
Classification: Uncertain significance. Last evaluated: 2024-04-19. Review status: criteria provided, single submitter. Criteria: ACMG Guidelines, 2015. Collection method: clinical testing. Allele origin: germline.

Literature cited by the submitters: PubMed 28044327 (cited by Labcorp Genetics (formerly Invitae), Labcorp); PubMed 35483523 (cited by Labcorp Genetics (formerly Invitae), Labcorp).

NM_001358921.2(COQ2):c.1019G>C (p.Gly340Ala)

Gene: COQ2 (coenzyme Q2, polyprenyltransferase; minus strand). Cytogenetic location: 4q21.23.
Variant type: single nucleotide variant.
Coding change: c.1019G>C on transcript NM_001358921.2 (MANE Select); coding-DNA position 1019, G replaced by C.
Protein change: p.Gly340Ala; replaces glycine 340 with alanine.
Molecular consequence: missense variant.
Genome position (GRCh38, 1-based): chr4:83,264,296, C>G on the plus strand (G>C on the coding strand, the complement: COQ2 is on the minus strand). VCF-style: chr4-83264296-C-G. GRCh37 (hg19) VCF-style: chr4-84185449-C-G.
Other names: c.1169G>C, p.Gly390Ala (NM_015697.9); c.1169G>C (NM_015697.7); short protein forms G340A, G390A.
Identifiers: ClinVar variation 2203549 (VCV002203549.5), dbSNP rs752608037, ClinGen allele CA357227941.
Genomic context (GRCh38, chr4:83,264,296, plus strand): 5'-TTGTCTGTCTTCTTTTCTTTCCACAAATTCCCAAGGACAATCCCTAAAAAAACTATTAGT[C>G]CCAGTGTTCGGTTGGAGATAAATTTATTCCAACAATCCTCAGGTCTGTGGATGTCTAGAG-3'
Protein context (NP_001345850.1, residues 330-350): WNKFISNRTL[Gly340Ala]LIVFLGIVLG